The following is an entry in ClinVar:

NM_024422.6(DSC2):c.2440A>T (p.Thr814Ser)

Gene: DSC2 (desmocollin 2; minus strand). Cytogenetic location: 18q12.1.
Variant type: single nucleotide variant.
Coding change: c.2440A>T on transcript NM_024422.6 (MANE Select); coding-DNA position 2440, A replaced by T.
Protein change: p.Thr814Ser; replaces threonine 814 with serine.
Molecular consequence: missense variant.
Genome position (GRCh38, 1-based): chr18:31,068,962, T>A on the plus strand (A>T on the coding strand, the complement: DSC2 is on the minus strand). VCF-style: chr18-31068962-T-A. GRCh37 (hg19) VCF-style: chr18-28648928-T-A.
Other names: c.2011A>T, p.Thr671Ser (NM_001406506.1, NM_001406507.1); c.2440A>T, p.Thr814Ser (NM_004949.5); short protein forms T671S, T814S.
Identifiers: ClinVar variation 1791325 (VCV001791325.5), dbSNP rs1169002392, ClinGen allele CA402111270.

ClinVar aggregate classification (germline): Uncertain significance. Review status: criteria provided, multiple submitters, no conflicts (2 of 4 stars). 2 submissions from 2 submitters: Uncertain significance (2). Last evaluated 2025-04-22.

Conditions:
Cardiovascular phenotype. Identifiers: MedGen CN230736.
Arrhythmogenic right ventricular dysplasia 11. Also called: Arrhythmogenic Right Ventricular Dysplasia/Cardiomyopathy11; ARRHYTHMOGENIC RIGHT VENTRICULAR DYSPLASIA, FAMILIAL, 11; Arrhythmogenic right ventricular dysplasia 11 with mild palmoplantar keratoderma and woolly hair. Identifiers: MedGen C1864850, MONDO:0012506, OMIM 610476.

Allele frequency attached by ClinVar (database versions not stated): gnomAD 0.00001.
gnomAD v4.1: 1 of 1,613,976 alleles (0.000062%); highest among the groups gnomAD compares: African/African-American, 0.0013%; no homozygotes.

Submissions (2):

Labcorp Genetics (formerly Invitae), Labcorp
Classification: Uncertain significance for Arrhythmogenic right ventricular dysplasia 11. Last evaluated: 2025-04-22. Review status: criteria provided, single submitter. Criteria: Invitae Variant Classification Sherloc (09022015). Collection method: clinical testing. Allele origin: germline.
Comment: This sequence change replaces threonine, which is neutral and polar, with serine, which is neutral and polar, at codon 814 of the DSC2 protein (p.Thr814Ser). This variant is present in population databases (no rsID available, gnomAD 0.01%). This variant has not been reported in the literature in individuals affected with DSC2-related conditions. ClinVar contains an entry for this variant (Variation ID: 1791325). Invitae Evidence Modeling of protein sequence and biophysical properties (such as structural, functional, and spatial information, amino acid conservation, physicochemical variation, residue mobility, and thermodynamic stability) indicates that this missense variant is not expected to disrupt DSC2 protein function with a negative predictive value of 80%. In summary, the available evidence is currently insufficient to determine the role of this variant in disease. Therefore, it has been classified as a Variant of Uncertain Significance.

Ambry Genetics
Classification: Uncertain significance for Cardiovascular phenotype. Last evaluated: 2022-08-24. Review status: criteria provided, single submitter. Criteria: Ambry Variant Classification Scheme 2023. Collection method: clinical testing. Allele origin: germline.
Comment: The p.T814S variant (also known as c.2440A>T), located in coding exon 15 of the DSC2 gene, results from an A to T substitution at nucleotide position 2440. The threonine at codon 814 is replaced by serine, an amino acid with similar properties. This amino acid position is conserved. In addition, this alteration is predicted to be tolerated by in silico analysis. Since supporting evidence is limited at this time, the clinical significance of this alteration remains unclear.